The following is an entry in ClinVar:

NM_003400.4(XPO1):c.1361A>G (p.Tyr454Cys)

Gene: XPO1 (exportin 1; minus strand). Cytogenetic location: 2p15.
Variant type: single nucleotide variant.
Coding change: c.1361A>G on transcript NM_003400.4 (MANE Select); coding-DNA position 1361, A replaced by G.
Protein change: p.Tyr454Cys; replaces tyrosine 454 with cysteine.
Molecular consequence: missense variant.
Genome position (GRCh38, 1-based): chr2:61,492,938, T>C on the plus strand (A>G on the coding strand, the complement: XPO1 is on the minus strand). VCF-style: chr2-61492938-T-C. GRCh37 (hg19) VCF-style: chr2-61720073-T-C.
Other names: c.1361A>G, p.Tyr454Cys (NM_001410799.1); short protein forms Y454C.
Identifiers: ClinVar variation 4073397 (VCV004073397.1).

ClinVar aggregate classification (germline): Pathogenic (1 of 4 stars; one submission).

Conditions:
XPO1-associated Neurodevelopmental Disorder.

Submission:

Genome Diagnostics Laboratory, University Medical Center Utrecht
Classification: Pathogenic for XPO1-associated Neurodevelopmental Disorder. Last evaluated: 2025-07-21. Review status: criteria provided, single submitter. Criteria: ACMG Guidelines, 2015. Collection method: research. Allele origin: germline. Affected: yes.
Comment: ACMG/AMP (Richards et al, 2015): PS2, PM2, PP2, PP3